The following is an entry in ClinVar:

NM_000179.3(MSH6):c.2450A>T (p.Asp817Val)

Gene: MSH6 (mutS homolog 6; plus strand). Cytogenetic location: 2p16.3.
Variant type: single nucleotide variant.
Coding change: c.2450A>T on transcript NM_000179.3 (MANE Select); coding-DNA position 2450, A replaced by T.
Protein change: p.Asp817Val; replaces aspartic acid 817 with valine.
Molecular consequence: missense variant.
Genome position (GRCh38, 1-based): chr2:47,800,433, A>T. VCF-style: chr2-47800433-A-T. GRCh37 (hg19) VCF-style: chr2-48027572-A-T.
Other names: c.2060A>T, p.Asp687Val (NM_001281492.2); c.1544A>T, p.Asp515Val (NM_001281493.2, NM_001281494.2, NM_001406814.1 and 6 more transcripts); c.2546A>T, p.Asp849Val (NM_001406795.1, NM_001406802.1); c.2450A>T, p.Asp817Val (NM_001406796.1, NM_001406798.1, NM_001406800.1 and 2 more transcripts); c.2153A>T, p.Asp718Val (NM_001406797.1, NM_001406801.1, NM_001406818.1 and 10 more transcripts); c.1925A>T, p.Asp642Val (NM_001406799.1, NM_001406806.1, NM_001406807.1); c.2282A>T, p.Asp761Val (NM_001406826.1); c.2372A>T, p.Asp791Val (NM_001406804.1); and 1 more; short protein forms D515V, D761V, D817V, D687V, D718V, D791V, D642V, D819V.
Identifiers: ClinVar variation 1791477 (VCV001791477.3), dbSNP rs2104407432, ClinGen allele CA346754067.

ClinVar aggregate classification (germline): Uncertain significance (1 of 4 stars; one submission).

Conditions:
Hereditary cancer-predisposing syndrome. Also called: Hereditary Cancer Syndrome; Hereditary neoplastic syndrome; Neoplastic Syndromes, Hereditary; Tumor predisposition. Identifiers: Orphanet 140162, MedGen C0027672, MeSH D009386, MONDO:0015356.

Submission:

Ambry Genetics
Classification: Uncertain significance for Hereditary cancer-predisposing syndrome. Last evaluated: 2026-08-20. Review status: criteria provided, single submitter. Criteria: Ambry Variant Classification Scheme 2023. Collection method: clinical testing. Allele origin: germline.
Comment: The p.D817V variant (also known as c.2450A>T), located in coding exon 4 of the MSH6 gene, results from an A to T substitution at nucleotide position 2450. The aspartic acid at codon 817 is replaced by valine, an amino acid with highly dissimilar properties. This amino acid position is highly conserved in available vertebrate species. In addition, this alteration is predicted to be deleterious by in silico analysis. Based on the available evidence, the clinical significance of this variant remains unclear.